The following is an entry in ClinVar:

NM_031229.4(RBCK1):c.581C>T (p.Pro194Leu)

Gene: RBCK1 (RANBP2-type and C3HC4-type zinc finger containing 1; plus strand). Cytogenetic location: 20p13.
Variant type: single nucleotide variant.
Coding change: c.581C>T on transcript NM_031229.4 (MANE Select); coding-DNA position 581, C replaced by T.
Protein change: p.Pro194Leu; replaces proline 194 with leucine.
Molecular consequence: missense variant. On other transcripts: non-coding transcript variant (1).
Genome position (GRCh38, 1-based): chr20:419,467, C>T. VCF-style: chr20-419467-C-T. GRCh37 (hg19) VCF-style: chr20-400111-C-T.
Other names: c.232C>T, p.Arg78Trp (NM_001323956.2, NM_001323958.2); c.455C>T, p.Pro152Leu (NM_006462.6); short protein forms R78W, P152L, P194L.
Identifiers: ClinVar variation 1368436 (VCV001368436.6), dbSNP rs1165538930, ClinGen allele CA407923703.

ClinVar aggregate classification (germline): Uncertain significance (1 of 4 stars; one submission).

Conditions:
Polyglucosan body myopathy type 1 (PGBM1). Also called: POLYGLUCOSAN BODY MYOPATHY WITHOUT IMMUNODEFICIENCY; Polyglucosan body myopathy 1 with or without immunodeficiency. Identifiers: Orphanet 329173, Orphanet 397937, MedGen C4014605, MONDO:0014389, OMIM 615895.

Allele frequency attached by ClinVar (database versions not stated): gnomAD exomes 0.00001.
gnomAD v4.1: 4 of 1,605,798 alleles (0.00025%); highest among the groups gnomAD compares: East Asian, 0.0022%; no homozygotes.

Submission:

Labcorp Genetics (formerly Invitae), Labcorp
Classification: Uncertain significance for Polyglucosan body myopathy type 1. Last evaluated: 2022-10-04. Review status: criteria provided, single submitter. Criteria: Invitae Variant Classification Sherloc (09022015). Collection method: clinical testing. Allele origin: germline.
Comment: In summary, the available evidence is currently insufficient to determine the role of this variant in disease. Therefore, it has been classified as a Variant of Uncertain Significance. Algorithms developed to predict the effect of missense changes on protein structure and function output the following: SIFT: "Not Available"; PolyPhen-2: "Benign"; Align-GVGD: "Not Available". The leucine amino acid residue is found in multiple mammalian species, which suggests that this missense change does not adversely affect protein function. ClinVar contains an entry for this variant (Variation ID: 1368436). This variant has not been reported in the literature in individuals affected with RBCK1-related conditions. This variant is present in population databases (no rsID available, gnomAD 0.001%). This sequence change replaces proline, which is neutral and non-polar, with leucine, which is neutral and non-polar, at codon 194 of the RBCK1 protein (p.Pro194Leu).